The following is an entry in ClinVar:

NM_000038.6(APC):c.2801C>T (p.Thr934Ile)

Gene: APC (APC regulator of Wnt signaling pathway; plus strand). Cytogenetic location: 5q22.2.
Variant type: single nucleotide variant.
Coding change: c.2801C>T on transcript NM_000038.6 (MANE Select); coding-DNA position 2801, C replaced by T.
Protein change: p.Thr934Ile; replaces threonine 934 with isoleucine.
Molecular consequence: missense variant.
Genome position (GRCh38, 1-based): chr5:112,838,395, C>T. VCF-style: chr5-112838395-C-T. GRCh37 (hg19) VCF-style: chr5-112174092-C-T.
Other names: c.2801C>T, p.Thr934Ile (NM_001127510.3, NM_001354895.2); c.2747C>T, p.Thr916Ile (NM_001127511.3); c.2855C>T, p.Thr952Ile (NM_001354896.2); c.2831C>T, p.Thr944Ile (NM_001354897.2); c.2726C>T, p.Thr909Ile (NM_001354898.2); c.2717C>T, p.Thr906Ile (NM_001354899.2); c.2678C>T, p.Thr893Ile (NM_001354900.2); c.2624C>T, p.Thr875Ile (NM_001354901.2); and 5 more; short protein forms T934I, T916I, T944I, T952I, T833I, T906I, T909I, T774I.
Identifiers: ClinVar variation 573544 (VCV000573544.21), dbSNP rs1561579756, ClinGen allele CA16027441.

ClinVar aggregate classification (germline): Uncertain significance. Review status: criteria provided, multiple submitters, no conflicts (2 of 4 stars). 3 submissions from 3 submitters: Uncertain significance (3). Last evaluated 2025-04-03.

Conditions:
Hereditary cancer-predisposing syndrome. Also called: Neoplastic Syndromes, Hereditary; Hereditary Cancer Syndrome; Tumor predisposition; Hereditary neoplastic syndrome. Identifiers: Orphanet 140162, MedGen C0027672, MeSH D009386, MONDO:0015356.
Familial adenomatous polyposis 1 (FAP1). Also called: POLYPOSIS, ADENOMATOUS INTESTINAL; FAMILIAL ADENOMATOUS POLYPOSIS 1, ATTENUATED. Identifiers: MedGen C2713442, MONDO:0021056, OMIM 175100. Disease mechanism: loss of function.

Submissions (3):

Ambry Genetics
Classification: Uncertain significance for Hereditary cancer-predisposing syndrome. Last evaluated: 2025-04-03. Review status: criteria provided, single submitter. Criteria: Ambry Variant Classification Scheme 2023. Collection method: clinical testing. Allele origin: germline.
Comment: The p.T934I variant (also known as c.2801C>T), located in coding exon 15 of the APC gene, results from a C to T substitution at nucleotide position 2801. The threonine at codon 934 is replaced by isoleucine, an amino acid with similar properties. This amino acid position is well conserved in available vertebrate species. In addition, in silico predictors for this gene do not accurately predict pathogenicity. Since supporting evidence is limited at this time, the clinical significance of this alteration remains unclear.

Color Diagnostics, LLC DBA Color Health
Classification: Uncertain significance for Hereditary cancer-predisposing syndrome. Last evaluated: 2023-12-05. Review status: criteria provided, single submitter. Criteria: ACMG Guidelines, 2015. Collection method: clinical testing. Allele origin: germline.
Comment: This missense variant replaces threonine with isoleucine at codon 934 of the APC protein. Computational prediction suggests that this variant may not impact protein structure and function (internally defined REVEL score threshold <= 0.5, PMID: 27666373). To our knowledge, functional studies have not been reported for this variant. This variant has not been reported in individuals affected with APC-related disorders in the literature. This variant has not been identified in the general population by the Genome Aggregation Database (gnomAD). The available evidence is insufficient to determine the role of this variant in disease conclusively. Therefore, this variant is classified as a Variant of Uncertain Significance.

Labcorp Genetics (formerly Invitae), Labcorp
Classification: Uncertain significance for Familial adenomatous polyposis 1. Last evaluated: 2022-07-13. Review status: criteria provided, single submitter. Criteria: Invitae Variant Classification Sherloc (09022015). Collection method: clinical testing. Allele origin: germline.
Comment: This sequence change replaces threonine, which is neutral and polar, with isoleucine, which is neutral and non-polar, at codon 934 of the APC protein (p.Thr934Ile). This variant is not present in population databases (gnomAD no frequency). This variant has not been reported in the literature in individuals affected with APC-related conditions. ClinVar contains an entry for this variant (Variation ID: 573544). Algorithms developed to predict the effect of missense changes on protein structure and function (SIFT, PolyPhen-2, Align-GVGD) all suggest that this variant is likely to be tolerated. In summary, the available evidence is currently insufficient to determine the role of this variant in disease. Therefore, it has been classified as a Variant of Uncertain Significance.